The following is an entry in ClinVar:

ClinVar aggregate classification (germline): Uncertain significance (1 of 4 stars; one submission).

Conditions:
Cardiovascular phenotype. Identifiers: MedGen CN230736.

gnomAD v4.1: 1 of 1,613,990 alleles (0.000062%); no homozygotes.

Submission:

Ambry Genetics
Classification: Uncertain significance for Cardiovascular phenotype. Last evaluated: 2022-12-01. Review status: criteria provided, single submitter. Criteria: Ambry Variant Classification Scheme 2023. Collection method: clinical testing. Allele origin: germline.
Comment: The p.V845L variant (also known as c.2533G>C), located in coding exon 16 of the FLNC gene, results from a G to C substitution at nucleotide position 2533. The valine at codon 845 is replaced by leucine, an amino acid with highly similar properties. This amino acid position is conserved. In addition, this alteration is predicted to be deleterious by in silico analysis. Since supporting evidence is limited at this time, the clinical significance of this alteration remains unclear.

NM_001458.5(FLNC):c.2533G>C (p.Val845Leu)

Gene: FLNC (filamin C; plus strand). Cytogenetic location: 7q32.1.
Variant type: single nucleotide variant.
Coding change: c.2533G>C on transcript NM_001458.5 (MANE Select); coding-DNA position 2533, G replaced by C.
Protein change: p.Val845Leu; replaces valine 845 with leucine.
Molecular consequence: missense variant.
Genome position (GRCh38, 1-based): chr7:128,842,937, G>C. VCF-style: chr7-128842937-G-C. GRCh37 (hg19) VCF-style: chr7-128482991-G-C.
Other names: c.2533G>C, p.Val845Leu (NM_001127487.2); short protein forms V845L.
Identifiers: ClinVar variation 2450885 (VCV002450885.2), dbSNP rs761151219, ClinGen allele CA369191999.